The following is an entry in ClinVar:

NM_001190274.2(FBXO11):c.83C>A (p.Pro28Gln)

Genes: FBXO11 (F-box protein 11; minus strand), LOC100506235 (uncharacterized LOC100506235; plus strand). Cytogenetic location: 2p16.3.
Variant type: single nucleotide variant.
Coding change: c.83C>A on transcript NM_001190274.2 (MANE Select); coding-DNA position 83, C replaced by A.
Protein change: p.Pro28Gln; replaces proline 28 with glutamine.
Molecular consequence: missense variant. On other transcripts: non-coding transcript variant (1).
Genome position (GRCh38, 1-based): chr2:47,905,638, G>T on the plus strand (C>A on the coding strand, the complement: FBXO11 is on the minus strand). VCF-style: chr2-47905638-G-T. GRCh37 (hg19) VCF-style: chr2-48132777-G-T.
Other names: short protein forms P28Q.
Identifiers: ClinVar variation 4767898 (VCV004767898.1).

ClinVar aggregate classification (germline): Uncertain significance (1 of 4 stars; one submission).

gnomAD v4.1: 1 of 1,421,424 alleles (0.00007%); highest among the groups gnomAD compares: Non-Finnish European, 0.000092%; no homozygotes.

Submission:

Labcorp Genetics (formerly Invitae), Labcorp
Classification: Uncertain significance. Last evaluated: 2025-06-18. Review status: criteria provided, single submitter. Criteria: Invitae Variant Classification Sherloc (09022015). Collection method: clinical testing. Allele origin: germline.
Comment: This sequence change replaces proline, which is neutral and non-polar, with glutamine, which is neutral and polar, at codon 28 of the FBXO11 protein (p.Pro28Gln). This variant is not present in population databases (gnomAD no frequency). This variant has not been reported in the literature in individuals affected with FBXO11-related conditions. Experimental studies and prediction algorithms are not available or were not evaluated, and the functional significance of this variant is currently unknown. In summary, the available evidence is currently insufficient to determine the role of this variant in disease. Therefore, it has been classified as a Variant of Uncertain Significance.